The following is an entry in ClinVar:

ClinVar aggregate classification (germline): Uncertain significance (1 of 4 stars; one submission).

Conditions:
Cardiovascular phenotype. Identifiers: MedGen CN230736.

gnomAD v4.1: 2 of 1,614,040 alleles (0.00012%); no homozygotes.

Submission:

Ambry Genetics
Classification: Uncertain significance for Cardiovascular phenotype. Last evaluated: 2024-05-21. Review status: criteria provided, single submitter. Criteria: Ambry Variant Classification Scheme 2023. Collection method: clinical testing. Allele origin: germline.
Comment: The p.S335G variant (also known as c.1003A>G), located in coding exon 12 of the TXNRD2 gene, results from an A to G substitution at nucleotide position 1003. The serine at codon 335 is replaced by glycine, an amino acid with similar properties. This amino acid position is conserved. In addition, this alteration is predicted to be tolerated by in silico analysis. Based on the available evidence, the clinical significance of this variant remains unclear.

NM_006440.5(TXNRD2):c.1003A>G (p.Ser335Gly)

Gene: TXNRD2 (thioredoxin reductase 2; minus strand). Cytogenetic location: 22q11.21.
Variant type: single nucleotide variant.
Coding change: c.1003A>G on transcript NM_006440.5 (MANE Select); coding-DNA position 1003, A replaced by G.
Protein change: p.Ser335Gly; replaces serine 335 with glycine.
Molecular consequence: missense variant. On other transcripts: non-coding transcript variant (1).
Genome position (GRCh38, 1-based): chr22:19,883,408, T>C on the plus strand (A>G on the coding strand, the complement: TXNRD2 is on the minus strand). VCF-style: chr22-19883408-T-C. GRCh37 (hg19) VCF-style: chr22-19870931-T-C.
Other names: c.1000A>G, p.Ser334Gly (NM_001352300.2); c.913A>G, p.Ser305Gly (NM_001352301.2); c.715A>G, p.Ser239Gly (NM_001352302.2); short protein forms S239G, S335G, S305G, S334G.
Identifiers: ClinVar variation 3330407 (VCV003330407.1).